The following is an entry in ClinVar:

ClinVar aggregate classification (germline): Uncertain significance (1 of 4 stars; one submission).

Conditions:
POLD1-related polyposis and colorectal cancer syndrome (CRCS10). Also called: Colorectal cancer, susceptibility to, 10; Colorectal cancer 10; COLORECTAL CANCER, SUSCEPTIBILITY TO, ON CHROMOSOME 19q. Identifiers: Orphanet 220460, MedGen C2675481, MONDO:0012953, OMIM 612591.

Allele frequency attached by ClinVar (database versions not stated): gnomAD exomes below 0.00001.

Submission:

Labcorp Genetics (formerly Invitae), Labcorp
Classification: Uncertain significance for POLD1-related polyposis and colorectal cancer syndrome. Last evaluated: 2020-11-11. Review status: criteria provided, single submitter. Criteria: Invitae Variant Classification Sherloc (09022015). Collection method: clinical testing. Allele origin: germline.
Comment: This sequence change replaces aspartic acid with asparagine at codon 24 of the POLD1 protein (p.Asp24Asn). The aspartic acid residue is weakly conserved and there is a small physicochemical difference between aspartic acid and asparagine. This variant is not present in population databases (ExAC no frequency). This variant has not been reported in the literature in individuals with POLD1-related conditions. Algorithms developed to predict the effect of missense changes on protein structure and function (SIFT, PolyPhen-2, Align-GVGD) all suggest that this variant is likely to be tolerated, but these predictions have not been confirmed by published functional studies and their clinical significance is uncertain. In summary, the available evidence is currently insufficient to determine the role of this variant in disease. Therefore, it has been classified as a Variant of Uncertain Significance.

NM_002691.4(POLD1):c.70G>A (p.Asp24Asn)

Gene: POLD1 (DNA polymerase delta 1, catalytic subunit; plus strand). Cytogenetic location: 19q13.33.
Variant type: single nucleotide variant.
Coding change: c.70G>A on transcript NM_002691.4 (MANE Select); coding-DNA position 70, G replaced by A.
Protein change: p.Asp24Asn; replaces aspartic acid 24 with asparagine.
Molecular consequence: missense variant. On other transcripts: non-coding transcript variant (1).
Genome position (GRCh38, 1-based): chr19:50,398,921, G>A. VCF-style: chr19-50398921-G-A. GRCh37 (hg19) VCF-style: chr19-50902178-G-A.
Other names: c.70G>A, p.Asp24Asn (NM_001256849.1, NM_001308632.1); short protein forms D24N.
Identifiers: ClinVar variation 1417288 (VCV001417288.8), dbSNP rs1246828069, ClinGen allele CA406970078.